The following is an entry in ClinVar:

ClinVar aggregate classification (germline): Pathogenic. Review status: criteria provided, multiple submitters, no conflicts (2 of 4 stars). 2 submissions from 2 submitters: Pathogenic (2). Last evaluated 2024-05-06.

Conditions:
Nephronophthisis 1 (NPHP1). Also called: Nephronophthisis familial juvenile. Identifiers: Orphanet 655, Orphanet 93592, MedGen C1855681, MONDO:0009728, OMIM 256100.
Joubert syndrome with renal defect. Also called: JOUBERT SYNDROME 4. Identifiers: Orphanet 220497, MedGen C1846790, MONDO:0012308, OMIM 609583.
Senior-Loken syndrome 1 (SLSN1). Also called: JUVENILE NEPHRONOPHTHISIS WITH LEBER AMAUROSIS. Identifiers: Orphanet 3156, MedGen C4551559, MONDO:0009962, OMIM 266900.
Nephronophthisis. Also called: Juvenile Nephronophthisis. Identifiers: Orphanet 655, MedGen C0687120, MONDO:0019005, HP:0000090.

Allele frequency attached by ClinVar (database versions not stated): gnomAD exomes below 0.00001.

Submissions (2):

Fulgent Genetics
Classification: Pathogenic for Nephronophthisis 1; Senior-Loken syndrome 1; Joubert syndrome with renal defect. Last evaluated: 2024-05-06. Review status: criteria provided, single submitter. Criteria: ACMG Guidelines, 2015. Collection method: clinical testing. Allele origin: germline.

Labcorp Genetics (formerly Invitae), Labcorp
Classification: Pathogenic for Nephronophthisis. Last evaluated: 2023-06-19. Review status: criteria provided, single submitter. Criteria: Invitae Variant Classification Sherloc (09022015). Collection method: clinical testing. Allele origin: germline.
Comment: This sequence change creates a premature translational stop signal (p.His247Thrfs*26) in the NPHP1 gene. It is expected to result in an absent or disrupted protein product. Loss-of-function variants in NPHP1 are known to be pathogenic (PMID: 23559409). This variant is not present in population databases (gnomAD no frequency). This premature translational stop signal has been observed in individual(s) with nephronophthisis-related ciliopathy (PMID: 26673778). For these reasons, this variant has been classified as Pathogenic.

Literature cited by the submitters: PubMed 23559409 (cited by Labcorp Genetics (formerly Invitae), Labcorp); PubMed 26673778 (cited by Labcorp Genetics (formerly Invitae), Labcorp).

NM_001128178.3(NPHP1):c.735del (p.His247fs)

Gene: NPHP1 (nephrocystin 1; minus strand). Cytogenetic location: 2q13.
Variant type: Deletion.
Coding change: c.735del on transcript NM_001128178.3 (MANE Select); coding-DNA position 735, one base deleted (T; older notation c.735delT).
Protein change: p.His247fs; shifts the reading frame from histidine 247.
Molecular consequence: frameshift variant.
Genome position (GRCh38, 1-based): chr2:110,164,724, A deleted on the plus strand (T on the coding strand, the reverse complement: NPHP1 is on the minus strand). VCF-style (leftmost placement, unchanged base first): chr2-110164723-GA-G. GRCh37 (hg19) VCF-style: chr2-110922300-GA-G.
Other names: c.735del, p.His247fs (NM_000272.5, NM_001374256.1, NM_001374257.1 and 1 more transcripts); c.549del, p.His185fs (NM_001128179.3); c.735del (NM_000272.4); short protein forms H185fs, H247fs.
Identifiers: ClinVar variation 2734257 (VCV002734257.4), dbSNP rs2467370270, ClinGen allele CA2586969764.